The following is an entry in ClinVar:

ClinVar aggregate classification (germline): Likely pathogenic (1 of 4 stars; one submission).

Submission:

Labcorp Genetics (formerly Invitae), Labcorp
Classification: Likely pathogenic. Last evaluated: 2024-01-31. Review status: criteria provided, single submitter. Criteria: Invitae Variant Classification Sherloc (09022015). Collection method: clinical testing. Allele origin: germline.
Comment: This sequence change affects a donor splice site in intron 34 of the COL13A1 gene. It is expected to disrupt RNA splicing. Variants that disrupt the donor or acceptor splice site typically lead to a loss of protein function (PMID: 16199547), and loss-of-function variants in COL13A1 are known to be pathogenic (PMID: 26626625). This variant is not present in population databases (gnomAD no frequency). This variant has not been reported in the literature in individuals affected with COL13A1-related conditions. Algorithms developed to predict the effect of sequence changes on RNA splicing suggest that this variant may disrupt the consensus splice site. In summary, the currently available evidence indicates that the variant is pathogenic, but additional data are needed to prove that conclusively. Therefore, this variant has been classified as Likely Pathogenic.

Literature cited by the submitters: PubMed 16199547; PubMed 26626625.

NM_001368882.1(COL13A1):c.1914+1G>A

Gene: COL13A1 (collagen type XIII alpha 1 chain; plus strand). Cytogenetic location: 10q22.1.
Variant type: single nucleotide variant.
Coding change: c.1914+1G>A on transcript NM_001368882.1 (MANE Select); the canonical splice donor site of the intron after coding-DNA position 1914, G replaced by A.
Molecular consequence: splice donor variant. On other transcripts: intron variant (10).
Genome position (GRCh38, 1-based): chr10:69,941,024, G>A. VCF-style: chr10-69941024-G-A. GRCh37 (hg19) VCF-style: chr10-71700780-G-A.
Other names: c.1881+1G>A (NM_001130103.2); c.1815+1G>A (NM_080801.4); c.1735-3101G>A (NM_080802.4); c.1789-3101G>A (NM_080800.4); c.1171-3101G>A (NM_001368886.1); c.1791+1G>A (NM_001368883.1); c.1693-3101G>A (NM_001368885.1); c.1648-3101G>A (NM_080805.4); and 7 more.
Identifiers: ClinVar variation 3609955 (VCV003609955.2).